The following is an entry in ClinVar:

NM_001369.3(DNAH5):c.7340dup (p.Met2447fs)

Gene: DNAH5 (dynein axonemal heavy chain 5; minus strand). Cytogenetic location: 5p15.2.
Variant type: Duplication.
Coding change: c.7340dup on transcript NM_001369.3 (MANE Select); coding-DNA position 7340, one base duplicated (T; older notation c.7340dupT).
Protein change: p.Met2447fs; shifts the reading frame from methionine 2447.
Molecular consequence: frameshift variant.
Genome position (GRCh38, 1-based): chr5:13,811,714, A duplicated on the plus strand (T on the coding strand, the reverse complement: DNAH5 is on the minus strand). VCF-style (leftmost placement, unchanged base first): chr5-13811713-C-CA. GRCh37 (hg19) VCF-style: chr5-13811822-C-CA.
Other names: c.7340dup (NM_001369.2); short protein forms M2447fs.
Identifiers: ClinVar variation 1453963 (VCV001453963.8), dbSNP rs2127026775, ClinGen allele CA2573138478.
Genomic context (GRCh38, chr5:13,811,713, plus strand): 5'-AGGAATCAGGCCTTGAAGCATGTTAATGCTCTGTGTGATGACAAAGGCCTCCAGCACCTC[C>CA]ATCTTGTATTCTAAGTTCTGGATACAGAAGCGATACAAGTCTGGGAAAGACTCGGTGTAC-3'

ClinVar aggregate classification (germline): Pathogenic/Likely pathogenic. Review status: criteria provided, multiple submitters, no conflicts (2 of 4 stars). 3 submissions from 3 submitters: Pathogenic (2); Likely pathogenic (1). Last evaluated 2024-07-08.

Conditions:
Primary ciliary dyskinesia. Also called: Ciliary dyskinesia. Identifiers: Orphanet 244, MedGen C0008780, MONDO:0016575, HP:0012265.
Primary ciliary dyskinesia 3. Identifiers: Orphanet 244, MedGen C1837618, MONDO:0012085, OMIM 608644.

Submissions (3):

Natera, Inc.
Classification: Likely pathogenic for Primary ciliary dyskinesia. Last evaluated: 2024-07-08. Review status: criteria provided, single submitter. Criteria: Natera Variant Classification Schema (03/2026). Collection method: clinical testing. Allele origin: germline.
Comment: The c.7340dup variant in DNAH5 is a frameshift variant predicted to shift the reading frame beginning at codon 2447 and leads to a stop codon 14 codons downstream. This variant is expected to result in nonsense mediated decay, truncation, or a dysfunctional protein product. This variant is rare in the general population with a frequency below the threshold expected for the associated phenotype(s). Given the available evidence, this variant is classified as Likely Pathogenic.

Myriad Genetics, Inc.
Classification: Pathogenic for Primary ciliary dyskinesia 3. Last evaluated: 2024-05-14. Review status: criteria provided, single submitter. Criteria: Myriad Autosomal Dominant, Autosomal Recessive and X-Linked Classification Criteria (2023). Collection method: clinical testing. Allele origin: unknown.
Comment: NM_001369.2(DNAH5):c.7340dupT(M2447Ifs*14) is expected to be pathogenic in the context of primary ciliary dyskinesia, DNAH5-related. This variant is predicted to lead to an abnormal or absent protein product due to the creation of a premature termination codon in DNAH5, a gene where loss-of-function variants are known to be pathogenic. Please note: this variant was assessed in the context of healthy population screening.

Labcorp Genetics (formerly Invitae), Labcorp
Classification: Pathogenic for Primary ciliary dyskinesia. Last evaluated: 2022-03-14. Review status: criteria provided, single submitter. Criteria: Invitae Variant Classification Sherloc (09022015). Collection method: clinical testing. Allele origin: germline.
Comment: For these reasons, this variant has been classified as Pathogenic. This variant has not been reported in the literature in individuals affected with DNAH5-related conditions. This variant is not present in population databases (gnomAD no frequency). This sequence change creates a premature translational stop signal (p.Met2447Ilefs*14) in the DNAH5 gene. It is expected to result in an absent or disrupted protein product. Loss-of-function variants in DNAH5 are known to be pathogenic (PMID: 11788826, 16627867).

Literature cited by the submitters: PubMed 11788826 (cited by Labcorp Genetics (formerly Invitae), Labcorp); PubMed 16627867 (cited by Labcorp Genetics (formerly Invitae), Labcorp).